The following is an entry in ClinVar:

ClinVar aggregate classification (germline): Uncertain significance (1 of 4 stars; one submission).

Conditions:
Inborn genetic diseases. Identifiers: MedGen C0950123, MeSH D030342.

Submission:

Ambry Genetics
Classification: Uncertain significance for Inborn genetic diseases. Last evaluated: 2024-05-24. Review status: criteria provided, single submitter. Criteria: Ambry Variant Classification Scheme 2023. Collection method: clinical testing. Allele origin: germline.
Comment: The p.V1903M variant (also known as c.5707G>A), located in coding exon 39 of the LRRK2 gene, results from a G to A substitution at nucleotide position 5707. The valine at codon 1903 is replaced by methionine, an amino acid with highly similar properties. This amino acid position is conserved. In addition, this alteration is predicted to be deleterious by in silico analysis. Since supporting evidence is limited at this time, the clinical significance of this alteration remains unclear.

NM_198578.4(LRRK2):c.5707G>A (p.Val1903Met)

Gene: LRRK2 (leucine rich repeat kinase 2; plus strand). Cytogenetic location: 12q12.
Variant type: single nucleotide variant.
Coding change: c.5707G>A on transcript NM_198578.4 (MANE Select); coding-DNA position 5707, G replaced by A.
Protein change: p.Val1903Met; replaces valine 1903 with methionine.
Molecular consequence: missense variant.
Genome position (GRCh38, 1-based): chr12:40,328,410, G>A. VCF-style: chr12-40328410-G-A. GRCh37 (hg19) VCF-style: chr12-40722212-G-A.
Other names: short protein forms V1903M.
Identifiers: ClinVar variation 1749192 (VCV001749192.3), dbSNP rs2499907555, ClinGen allele CA384399602.